The following is an entry in ClinVar:

ClinVar aggregate classification (germline): Uncertain significance (1 of 4 stars; one submission).

Allele frequency attached by ClinVar (database versions not stated): gnomAD 0.00027; 1000 Genomes Project 0.00100; ExAC 0.00015; ESP Exome Variant Server 0.00031; TOPMed 0.00032; 1000 Genomes Project 30x 0.00094.

Submission:

Labcorp Genetics (formerly Invitae), Labcorp
Classification: Uncertain significance. Last evaluated: 2025-12-26. Review status: criteria provided, single submitter. Criteria: Invitae Variant Classification Sherloc (09022015). Collection method: clinical testing. Allele origin: germline.
Comment: This sequence change replaces glutamic acid, which is acidic and polar, with lysine, which is basic and polar, at codon 267 of the TRAP1 protein (p.Glu267Lys). This variant is present in population databases (rs148151713, gnomAD 0.07%), and has an allele count higher than expected for a pathogenic variant. This variant has not been reported in the literature in individuals affected with TRAP1-related conditions. ClinVar contains an entry for this variant (Variation ID: 2911220). Invitae Evidence Modeling of protein sequence and biophysical properties (such as structural, functional, and spatial information, amino acid conservation, physicochemical variation, residue mobility, and thermodynamic stability) indicates that this missense variant is not expected to disrupt TRAP1 protein function with a negative predictive value of 80%. In summary, the available evidence is currently insufficient to determine the role of this variant in disease. Therefore, it has been classified as a Variant of Uncertain Significance.

NM_016292.3(TRAP1):c.799G>A (p.Glu267Lys)

Gene: TRAP1 (TNF receptor associated protein 1; minus strand). Cytogenetic location: 16p13.3.
Variant type: single nucleotide variant.
Coding change: c.799G>A on transcript NM_016292.3 (MANE Select); coding-DNA position 799, G replaced by A.
Protein change: p.Glu267Lys; replaces glutamic acid 267 with lysine.
Molecular consequence: missense variant.
Genome position (GRCh38, 1-based): chr16:3,676,051, C>T on the plus strand (G>A on the coding strand, the complement: TRAP1 is on the minus strand). VCF-style: chr16-3676051-C-T. GRCh37 (hg19) VCF-style: chr16-3726052-C-T.
Other names: c.640G>A, p.Glu214Lys (NM_001272049.2); short protein forms E267K, E214K.
Identifiers: ClinVar variation 2911220 (VCV002911220.3), dbSNP rs148151713, ClinGen allele CA7868498.